The following is an entry in ClinVar:

NM_001985.3(ETFB):c.-58C>T

Gene: ETFB (electron transfer flavoprotein subunit beta; minus strand). Cytogenetic location: 19q13.41.
Variant type: single nucleotide variant.
Coding change: c.-58C>T on transcript NM_001985.3 (MANE Select); 58 bases upstream of the start codon, C replaced by T.
Molecular consequence: 5 prime UTR variant.
Genome position (GRCh38, 1-based): chr19:51,366,384, G>A on the plus strand (C>T on the coding strand, the complement: ETFB is on the minus strand). VCF-style: chr19-51366384-G-A. GRCh37 (hg19) VCF-style: chr19-51869638-G-A.
Identifiers: ClinVar variation 674128 (VCV000674128.2), dbSNP rs111454736, ClinGen allele CA309746212.

ClinVar aggregate classification (germline): Likely benign. Review status: criteria provided, multiple submitters, no conflicts (2 of 4 stars). 2 submissions from 2 submitters: Likely benign (2). Last evaluated 2018-06-16.

Allele frequency attached by ClinVar (database versions not stated): 1000 Genomes Project 0.00819; TOPMed 0.01733; gnomAD 0.02239; gnomAD exomes 0.02628; ESP Exome Variant Server 0.02760.
gnomAD v4.1: 38,916 of 1,526,600 alleles (2.5%); highest among the groups gnomAD compares: Non-Finnish European, 3%; 585 homozygotes.

Submissions (2):

GeneDx
Classification: Likely benign. Last evaluated: 2018-06-16. Review status: criteria provided, single submitter. Criteria: GeneDx Variant Classification (06012015). Collection method: clinical testing. Allele origin: germline. Affected: yes.
Comment: This variant is considered likely benign or benign based on one or more of the following criteria: it is a conservative change, it occurs at a poorly conserved position in the protein, it is predicted to be benign by multiple in silico algorithms, and/or has population frequency not consistent with disease.

Breakthrough Genomics
Classification: Likely benign. Review status: criteria provided, single submitter. Criteria: ACMG Guidelines, 2015. Collection method: not provided. Allele origin: germline. Inheritance: Autosomal recessive inheritance. Affected: yes.